The following is an entry in ClinVar:

ClinVar aggregate classification (germline): Likely benign. Review status: criteria provided, multiple submitters, no conflicts (2 of 4 stars). 2 submissions from 2 submitters: Likely benign (2). Last evaluated 2026-08-30.

Conditions:
ABCB4-related disorder. Also called: ABCB4-related disorders; ABCB4-related condition.

Allele frequency attached by ClinVar (database versions not stated): gnomAD 0.00001; TOPMed 0.00006; ExAC 0.00012; 1000 Genomes Project 30x 0.00016; 1000 Genomes Project 0.00020.
gnomAD v4.1: 29 of 1,614,138 alleles (0.0018%); highest among the groups gnomAD compares: East Asian, 0.056%; 1 homozygote.

Submissions (2):

PreventionGenetics, part of Exact Sciences
Classification: Likely benign for ABCB4-related condition. Last evaluated: 2026-08-30. Review status: criteria provided, single submitter. Criteria: ACMG Guidelines, 2015. Collection method: clinical testing. Allele origin: germline.
Comment: This variant is classified as likely benign based on ACMG/AMP sequence variant interpretation guidelines (Richards et al. 2015 PMID: 25741868, with internal and published modifications).

Labcorp Genetics (formerly Invitae), Labcorp
Classification: Likely benign. Last evaluated: 2026-01-25. Review status: criteria provided, single submitter. Criteria: Invitae Variant Classification Sherloc (09022015). Collection method: clinical testing. Allele origin: germline.

NM_000443.4(ABCB4):c.2994T>C (p.Ala998=)

Gene: ABCB4 (ATP binding cassette subfamily B member 4; minus strand). Cytogenetic location: 7q21.12.
Variant type: single nucleotide variant.
Coding change: c.2994T>C on transcript NM_000443.4 (MANE Select); coding-DNA position 2994, T replaced by C.
Protein change: p.Ala998=; no amino-acid change (alanine 998 retained).
Molecular consequence: synonymous variant.
Genome position (GRCh38, 1-based): chr7:87,409,323, A>G on the plus strand (T>C on the coding strand, the complement: ABCB4 is on the minus strand). VCF-style: chr7-87409323-A-G. GRCh37 (hg19) VCF-style: chr7-87038639-A-G.
Other names: c.2994T>C, p.Ala998= (NM_018849.3); c.2853T>C, p.Ala951= (NM_018850.3); c.2994T>C (NM_000443.3).
Identifiers: ClinVar variation 2185808 (VCV002185808.5), dbSNP rs549345313, ClinGen allele CA4326882.